The following is an entry in ClinVar:

ClinVar aggregate classification (germline): Benign/Likely benign. Review status: criteria provided, multiple submitters, no conflicts (2 of 4 stars). 3 submissions from 3 submitters: Benign (1); Likely benign (2). Last evaluated 2026-06-15.

Conditions:
Pheochromocytoma/paraganglioma syndrome 5. Also called: Paragangliomas 5; SDHA-Related Hereditary Paraganglioma-Pheochromocytoma Syndrome. Identifiers: Orphanet 29072, MedGen C3279992, MONDO:0013602, OMIM 614165.
Hereditary cancer-predisposing syndrome. Also called: Tumor predisposition; Hereditary neoplastic syndrome; Hereditary Cancer Syndrome; Neoplastic Syndromes, Hereditary. Identifiers: Orphanet 140162, MedGen C0027672, MeSH D009386, MONDO:0015356.
Mitochondrial complex II deficiency, nuclear type 1. Also called: SUCCINATE CoQ REDUCTASE DEFICIENCY. Identifiers: Orphanet 3208, MedGen C5700310, MONDO:0100294, OMIM 252011.

Submissions (3):

Ambry Genetics
Classification: Likely benign for Hereditary cancer-predisposing syndrome. Last evaluated: 2026-06-15. Review status: criteria provided, single submitter. Criteria: Ambry Variant Classification Scheme 2023. Collection method: clinical testing. Allele origin: germline.

Myriad Genetics, Inc.
Classification: Benign for Pheochromocytoma/paraganglioma syndrome 5. Last evaluated: 2025-03-03. Review status: criteria provided, single submitter. Criteria: Myriad Autosomal Dominant, Autosomal Recessive and X-Linked Classification Criteria (2023). Collection method: clinical testing. Allele origin: unknown.
Comment: This variant is considered benign. This variant is a silent/synonymous amino acid change and it is not expected to impact splicing.

Labcorp Genetics (formerly Invitae), Labcorp
Classification: Likely benign for Pheochromocytoma/paraganglioma syndrome 5; Mitochondrial complex II deficiency, nuclear type 1. Last evaluated: 2024-02-26. Review status: criteria provided, single submitter. Criteria: Invitae Variant Classification Sherloc (09022015). Collection method: clinical testing. Allele origin: germline.

NM_004168.4(SDHA):c.804T>A (p.Ser268=)

Gene: SDHA (succinate dehydrogenase complex flavoprotein subunit A; plus strand). Cytogenetic location: 5p15.33.
Variant type: single nucleotide variant.
Coding change: c.804T>A on transcript NM_004168.4 (MANE Select); coding-DNA position 804, T replaced by A.
Protein change: p.Ser268=; no amino-acid change (serine 268 retained).
Molecular consequence: synonymous variant.
Genome position (GRCh38, 1-based): chr5:230,909, T>A. VCF-style: chr5-230909-T-A. GRCh37 (hg19) VCF-style: chr5-231024-T-A.
Other names: c.804T>A (NM_004168.2); c.660T>A, p.Ser220= (NM_001294332.2); c.804T>A, p.Ser268= (NM_001330758.2).
Identifiers: ClinVar variation 3753062 (VCV003753062.4).